The following is an entry in ClinVar:

NM_016247.4(IMPG2):c.391C>T (p.Arg131Cys)

Gene: IMPG2 (interphotoreceptor matrix proteoglycan 2; minus strand). Cytogenetic location: 3q12.3.
Variant type: single nucleotide variant.
Coding change: c.391C>T on transcript NM_016247.4 (MANE Select); coding-DNA position 391, C replaced by T.
Protein change: p.Arg131Cys; replaces arginine 131 with cysteine.
Molecular consequence: missense variant.
Genome position (GRCh38, 1-based): chr3:101,304,256, G>A on the plus strand (C>T on the coding strand, the complement: IMPG2 is on the minus strand). VCF-style: chr3-101304256-G-A. GRCh37 (hg19) VCF-style: chr3-101023100-G-A.
Other names: short protein forms R131C.
Identifiers: ClinVar variation 941677 (VCV000941677.10), dbSNP rs150344327, ClinGen allele CA2519487.
Genomic context (GRCh38, chr3:101,304,256, plus strand): 5'-TTTCAAATATACTTGTGACTCCATCCTCACACAAATTCATCCAGTAATGATATTCCTCAC[G>A]CCCAGGAAGTCGATCCCAAAAAGTCCTGAAGGCTTCCCAGACAGCTTCCTGACACACTAG-3'
Protein context (NP_057331.2, residues 121-141): FRTFWDRLPG[Arg131Cys]EEYHYWMNLC

ClinVar aggregate classification (germline): Conflicting classifications of pathogenicity. Review status: criteria provided, conflicting classifications (1 of 4 stars). 4 submissions from 4 submitters: Likely pathogenic (1); Uncertain significance (3). Last evaluated 2026-06-12.

Conditions:
Retinal dystrophy. Also called: Inherited retinal dystrophy. Identifiers: Orphanet 71862, MedGen C0854723, MeSH D058499, MONDO:0019118, HP:0000556.
IMPG2-related disorders.
IMPG2-related disorder. Also called: IMPG2-related condition.

Allele frequency attached by ClinVar (database versions not stated): gnomAD exomes 0.00004; TOPMed 0.00004; ExAC 0.00006; gnomAD 0.00006 and 0.00007; ESP Exome Variant Server 0.00008; 1000 Genomes Project 30x 0.00016; 1000 Genomes Project 0.00020.
gnomAD v4.1: 156 of 1,613,670 alleles (0.0097%); highest among the groups gnomAD compares: Middle Eastern, 0.016%; no homozygotes.

Submissions (5):

PreventionGenetics, part of Exact Sciences
Classification: Uncertain significance for IMPG2-related condition. Last evaluated: 2026-06-12. Review status: criteria provided, single submitter. Criteria: ACMG Guidelines, 2015. Collection method: clinical testing. Allele origin: germline.
Comment: The IMPG2 c.391C>T variant is predicted to result in the amino acid substitution p.Arg131Cys. This variant was reported, along with a second potentially causative variant in the same gene, in an individual with retinitis pigmentosa (Al-Khuzaei et al. 2025. PubMed ID: 41465146). This variant is reported in 0.0078% of alleles in individuals of European (Non-Finnish) descent in gnomAD. At this time, the clinical significance of this variant is uncertain due to the absence of conclusive functional and genetic evidence.

Blueprint Genetics
Classification: Likely pathogenic for IMPG2-related disorders. Last evaluated: 2023-11-30. Review status: criteria provided, single submitter. Criteria: ACMG Guidelines, 2015. Collection method: clinical testing. Allele origin: germline. Affected: yes. Observed: 5 variant alleles.

Dept Of Ophthalmology, Nagoya University
Classification: Uncertain significance for Retinal dystrophy. Last evaluated: 2023-10-01. Review status: criteria provided, single submitter. Criteria: Submitter's publication. Collection method: research. Allele origin: germline. Affected: yes.

Labcorp Genetics (formerly Invitae), Labcorp
Classification: Uncertain significance. Last evaluated: 2023-08-04. Review status: criteria provided, single submitter. Criteria: Invitae Variant Classification Sherloc (09022015). Collection method: clinical testing. Allele origin: germline.
Comment: In summary, the available evidence is currently insufficient to determine the role of this variant in disease. Therefore, it has been classified as a Variant of Uncertain Significance. An algorithm developed to predict the effect of missense changes on protein structure and function (PolyPhen-2) suggests that this variant is likely to be disruptive. ClinVar contains an entry for this variant (Variation ID: 941677). This missense change has been observed in individual(s) with retinitis pigmentosa (Invitae). This variant is present in population databases (rs150344327, gnomAD 0.01%). This sequence change replaces arginine, which is basic and polar, with cysteine, which is neutral and slightly polar, at codon 131 of the IMPG2 protein (p.Arg131Cys).

Dr. Peter K. Rogan Lab, Western University
No classification provided (evidence only). Condition: Gastric cancer. Review status: no classification provided. Collection method: in vitro. Allele origin: not applicable. Functional consequence: retained intron. Not counted in ClinVar's aggregate classification.